The following is an entry in ClinVar:

NM_000179.3(MSH6):c.1776A>T (p.Val592=)

Gene: MSH6 (mutS homolog 6; plus strand). Cytogenetic location: 2p16.3.
Variant type: single nucleotide variant.
Coding change: c.1776A>T on transcript NM_000179.3 (MANE Select); coding-DNA position 1776, A replaced by T.
Protein change: p.Val592=; no amino-acid change (valine 592 retained).
Molecular consequence: synonymous variant.
Genome position (GRCh38, 1-based): chr2:47,799,759, A>T. VCF-style: chr2-47799759-A-T. GRCh37 (hg19) VCF-style: chr2-48026898-A-T.
Other names: c.1386A>T, p.Val462= (NM_001281492.2); c.870A>T, p.Val290= (NM_001281493.2, NM_001281494.2).
Identifiers: ClinVar variation 183715 (VCV000183715.41), dbSNP rs56132616, ClinGen allele CA009177.

ClinVar aggregate classification (germline): Benign/Likely benign. Review status: criteria provided, multiple submitters, no conflicts (2 of 4 stars). 13 submissions from 13 submitters: Benign (4); Likely benign (7). 2 of the submissions do not count toward it. Last evaluated 2026-01-31.

Conditions:
Mismatch repair cancer syndrome 3. Identifiers: MedGen C5436807, MONDO:0030841, OMIM 619097.
Hereditary nonpolyposis colorectal neoplasms. Identifiers: MedGen C0009405, MeSH D003123.
MSH6-related disorder. Also called: MSH6-related condition; MSH6-Related disorders.
Hereditary cancer-predisposing syndrome. Also called: Tumor predisposition; Neoplastic Syndromes, Hereditary; Hereditary neoplastic syndrome; Hereditary Cancer Syndrome. Identifiers: Orphanet 140162, MedGen C0027672, MeSH D009386, MONDO:0015356.
Lynch syndrome. Identifiers: Orphanet 144, MedGen C4552100, MONDO:0005835. Disease mechanism: loss of function.
Lynch syndrome 5 (LYNCH5). Also called: Colorectal cancer, hereditary nonpolyposis, type 5; Hereditary non-polyposis colorectal cancer, type 5. Identifiers: Orphanet 144, MedGen C1833477, MONDO:0013710, OMIM 614350. Disease mechanism: loss of function.

Allele frequency attached by ClinVar (database versions not stated): gnomAD 0.00001 and 0.00004; TOPMed 0.00006; 1000 Genomes Project 0.00040; 1000 Genomes Project 30x 0.00047.
gnomAD v4.1: 27 of 1,614,222 alleles (0.0017%); highest among the groups gnomAD compares: East Asian, 0.04%; no homozygotes.

Submissions (13):

Labcorp Genetics (formerly Invitae), Labcorp
Classification: Benign for Hereditary nonpolyposis colorectal neoplasms. Last evaluated: 2026-01-31. Review status: criteria provided, single submitter. Criteria: Invitae Variant Classification Sherloc (09022015). Collection method: clinical testing. Allele origin: germline.

Blueprint Genetics
Classification: Likely benign. Last evaluated: 2024-06-25. Review status: criteria provided, single submitter. Criteria: ACMG Guidelines, 2015. Collection method: clinical testing. Allele origin: germline.

Department of Pathology and Laboratory Medicine, Sinai Health System
Classification: Likely benign for Mismatch repair cancer syndrome 3. Last evaluated: 2024-01-17. Review status: criteria provided, single submitter. Criteria: ACMG Guidelines, 2015. Collection method: clinical testing. Allele origin: germline. Affected: yes.

All of Us Research Program, National Institutes of Health
Classification: Likely benign for Lynch syndrome. Last evaluated: 2023-10-30. Review status: criteria provided, single submitter. Criteria: ACMG Guidelines, 2015. Collection method: clinical testing. Allele origin: germline. Inheritance: Autosomal dominant inheritance. Observed: 4 variant alleles, 4 heterozygotes.
Comment: This study involves interpretation of variants in research participants for the purpose of population health screening. Participant phenotype was not available at the time of variant classification. Additional details can be found in publication PMID: 35346344, PMCID: PMC8962531

Myriad Genetics, Inc.
Classification: Benign for Lynch syndrome 5. Last evaluated: 2023-03-28. Review status: criteria provided, single submitter. Criteria: Myriad Autosomal Dominant, Autosomal Recessive and X-Linked Classification Criteria (2023). Collection method: clinical testing. Allele origin: unknown.
Comment: This variant is considered benign. This variant is a silent/synonymous amino acid change and it is not expected to impact splicing.

Sema4
Classification: Likely benign for Hereditary cancer-predisposing syndrome. Last evaluated: 2021-11-15. Review status: criteria provided, single submitter. Criteria: Sema4 Curation Guidelines. Collection method: curation. Allele origin: germline.

Women's Health and Genetics/Laboratory Corporation of America, LabCorp
Classification: Likely benign. Last evaluated: 2021-07-11. Review status: criteria provided, single submitter. Criteria: LabCorp Variant Classification Summary - May 2015. Collection method: clinical testing. Allele origin: germline.

Quest Diagnostics Nichols Institute San Juan Capistrano
Classification: Benign. Last evaluated: 2017-11-27. Review status: criteria provided, single submitter. Criteria: Quest Diagnostics criteria. Collection method: clinical testing. Allele origin: germline.

Ambry Genetics
Classification: Likely benign for Hereditary cancer-predisposing syndrome. Last evaluated: 2015-09-22. Review status: criteria provided, single submitter. Criteria: Ambry Variant Classification Scheme 2023. Collection method: clinical testing. Allele origin: germline.

Color Diagnostics, LLC DBA Color Health
Classification: Likely benign for Hereditary cancer-predisposing syndrome. Last evaluated: 2015-06-01. Review status: criteria provided, single submitter. Criteria: ACMG Guidelines, 2015. Collection method: clinical testing. Allele origin: germline.

GeneDx
Classification: Benign. Last evaluated: 2015-03-03. Review status: criteria provided, single submitter. Criteria: GeneDx Variant Classification Process June 2021. Collection method: clinical testing. Allele origin: germline. Affected: yes.

PreventionGenetics, part of Exact Sciences
Classification: Likely benign for MSH6-related condition. Last evaluated: 2020-02-25. Review status: no assertion criteria provided. Collection method: clinical testing. Allele origin: germline. Not counted in ClinVar's aggregate classification.
Comment: This variant is classified as likely benign based on ACMG/AMP sequence variant interpretation guidelines (Richards et al. 2015 PMID: 25741868, with internal and published modifications).

Counsyl
Classification: Likely benign for Lynch syndrome 5. Last evaluated: 2016-03-22. Review status: no assertion criteria provided. Collection method: clinical testing. Allele origin: unknown. Not counted in ClinVar's aggregate classification.